The following is an entry in ClinVar:

ClinVar aggregate classification (germline): Uncertain significance (1 of 4 stars; one submission).

Conditions:
Familial focal epilepsy with variable foci (FPEVF). Identifiers: Orphanet 98820, MedGen C1858477, MONDO:0020310.

gnomAD v4.1: 2 of 1,614,164 alleles (0.00012%); highest among the groups gnomAD compares: Admixed American, 0.0033%; no homozygotes.

Submission:

Labcorp Genetics (formerly Invitae), Labcorp
Classification: Uncertain significance for Familial focal epilepsy with variable foci. Last evaluated: 2025-02-28. Review status: criteria provided, single submitter. Criteria: Invitae Variant Classification Sherloc (09022015). Collection method: clinical testing. Allele origin: germline.
Comment: This sequence change replaces proline, which is neutral and non-polar, with serine, which is neutral and polar, at codon 536 of the DEPDC5 protein (p.Pro536Ser). This variant is present in population databases (rs751862690, gnomAD 0.006%). This variant has not been reported in the literature in individuals affected with DEPDC5-related conditions. Experimental studies and prediction algorithms are not available or were not evaluated, and the functional significance of this variant is currently unknown. In summary, the available evidence is currently insufficient to determine the role of this variant in disease. Therefore, it has been classified as a Variant of Uncertain Significance.

NM_001242896.3(DEPDC5):c.1606C>T (p.Pro536Ser)

Gene: DEPDC5 (DEP domain containing 5, GATOR1 subcomplex subunit; plus strand). Cytogenetic location: 22q12.3.
Variant type: single nucleotide variant.
Coding change: c.1606C>T on transcript NM_001242896.3 (MANE Select); coding-DNA position 1606, C replaced by T.
Protein change: p.Pro536Ser; replaces proline 536 with serine.
Molecular consequence: missense variant. On other transcripts: non-coding transcript variant (5).
Genome position (GRCh38, 1-based): chr22:31,815,152, C>T. VCF-style: chr22-31815152-C-T. GRCh37 (hg19) VCF-style: chr22-32211138-C-T.
Other names: c.1606C>T, p.Pro536Ser (NM_001007188.4, NM_001136029.4, NM_001242897.2 and 7 more transcripts); c.1522C>T, p.Pro508Ser (NM_001369901.1, NM_001369902.1); short protein forms P536S, P508S.
Identifiers: ClinVar variation 4759599 (VCV004759599.1).